The following is an entry in ClinVar:

NM_006562.5(LBX1):c.166G>T (p.Ala56Ser)

Gene: LBX1 (ladybird homeobox 1; minus strand). Cytogenetic location: 10q24.32.
Variant type: single nucleotide variant.
Coding change: c.166G>T on transcript NM_006562.5 (MANE Select); coding-DNA position 166, G replaced by T.
Protein change: p.Ala56Ser; replaces alanine 56 with serine.
Molecular consequence: missense variant.
Genome position (GRCh38, 1-based): chr10:101,228,650, C>A on the plus strand (G>T on the coding strand, the complement: LBX1 is on the minus strand). VCF-style: chr10-101228650-C-A. GRCh37 (hg19) VCF-style: chr10-102988407-C-A.
Other names: short protein forms A56S.
Identifiers: ClinVar variation 2640770 (VCV002640770.24), dbSNP rs779099123, ClinGen allele CA378261812.
Genomic context (GRCh38, chr10:101,228,650, plus strand): 5'-GGCCCGCCAGGGGCAAGCCGCCCTGCGCGTGCTTGTCCGCGGCGGCCAGCAGGTGCGCCG[C>A]CCCGCACAGCGAGTAACTTCTCCGCACAGACGGCTTGTTGAGGATGTCCTCGATGCTGAA-3'
Protein context (NP_006553.2, residues 46-66): SVRRSYSLCG[Ala56Ser]AHLLAAADKH

ClinVar aggregate classification (germline): Uncertain significance (1 of 4 stars; one submission).

Submission:

CeGaT Center for Human Genetics Tuebingen
Classification: Uncertain significance. Last evaluated: 2022-12-01. Review status: criteria provided, single submitter. Criteria: CeGaT Center For Human Genetics Tuebingen Variant Classification Criteria Version 2. Collection method: clinical testing. Allele origin: germline. Affected: yes. Observed: 1 variant allele.
Comment: LBX1: PM2